The following is an entry in ClinVar:

NM_018699.4(PRDM5):c.12G>C (p.Met4Ile)

Gene: PRDM5 (PR/SET domain 5; minus strand). Cytogenetic location: 4q27.
Variant type: single nucleotide variant.
Coding change: c.12G>C on transcript NM_018699.4 (MANE Select); coding-DNA position 12, G replaced by C.
Protein change: p.Met4Ile; replaces methionine 4 with isoleucine.
Molecular consequence: missense variant.
Genome position (GRCh38, 1-based): chr4:120,922,597, C>G on the plus strand (G>C on the coding strand, the complement: PRDM5 is on the minus strand). VCF-style: chr4-120922597-C-G. GRCh37 (hg19) VCF-style: chr4-121843752-C-G.
Other names: c.12G>C (NM_018699.2); c.12G>C, p.Met4Ile (NM_001300823.2, NM_001300824.2, NM_001379104.1 and 1 more transcripts); short protein forms M4I.
Identifiers: ClinVar variation 2059174 (VCV002059174.5), dbSNP rs779132191, ClinGen allele CA358209977.

ClinVar aggregate classification (germline): Uncertain significance. Review status: criteria provided, multiple submitters, no conflicts (2 of 4 stars). 2 submissions from 2 submitters: Uncertain significance (2). Last evaluated 2026-02-19.

Conditions:
Cardiovascular phenotype. Identifiers: MedGen CN230736.

Submissions (2):

Ambry Genetics
Classification: Uncertain significance for Cardiovascular phenotype. Last evaluated: 2026-02-19. Review status: criteria provided, single submitter. Criteria: Ambry Variant Classification Scheme 2023. Collection method: clinical testing. Allele origin: germline.
Comment: The p.M4I variant (also known as c.12G>C), located in coding exon 1 of the PRDM5 gene, results from a G to C substitution at nucleotide position 12. The methionine at codon 4 is replaced by isoleucine, an amino acid with highly similar properties. This amino acid position is conserved. In addition, the in silico prediction for this alteration is inconclusive. Based on the available evidence, the clinical significance of this variant remains unclear.

Labcorp Genetics (formerly Invitae), Labcorp
Classification: Uncertain significance. Last evaluated: 2023-11-27. Review status: criteria provided, single submitter. Criteria: Invitae Variant Classification Sherloc (09022015). Collection method: clinical testing. Allele origin: germline.
Comment: This sequence change replaces methionine, which is neutral and non-polar, with isoleucine, which is neutral and non-polar, at codon 4 of the PRDM5 protein (p.Met4Ile). This variant is not present in population databases (gnomAD no frequency). This variant has not been reported in the literature in individuals affected with PRDM5-related conditions. ClinVar contains an entry for this variant (Variation ID: 2059174). An algorithm developed to predict the effect of missense changes on protein structure and function (PolyPhen-2) suggests that this variant is likely to be disruptive. In summary, the available evidence is currently insufficient to determine the role of this variant in disease. Therefore, it has been classified as a Variant of Uncertain Significance.